The following is an entry in ClinVar:

NM_007294.4(BRCA1):c.2531G>A (p.Ser844Asn)

Gene: BRCA1 (BRCA1 DNA repair associated; minus strand). Cytogenetic location: 17q21.31.
Variant type: single nucleotide variant.
Coding change: c.2531G>A on transcript NM_007294.4 (MANE Select); coding-DNA position 2531, G replaced by A.
Protein change: p.Ser844Asn; replaces serine 844 with asparagine.
Molecular consequence: missense variant. On other transcripts: intron variant (137).
Genome position (GRCh38, 1-based): chr17:43,093,000, C>T on the plus strand (G>A on the coding strand, the complement: BRCA1 is on the minus strand). VCF-style: chr17-43093000-C-T. GRCh37 (hg19) VCF-style: chr17-41245017-C-T.
Other names: c.2531G>A, p.Ser844Asn (NM_001407625.1, NM_001407626.1, NM_001407652.1 and 30 more transcripts); c.2528G>A, p.Ser843Asn (NM_001407627.1, NM_001407628.1, NM_001407629.1 and 22 more transcripts); c.2522G>A, p.Ser841Asn (NM_001407646.1, NM_001407647.1); c.2408G>A, p.Ser803Asn (NM_001407648.1, NM_001407666.1, NM_001407667.1 and 19 more transcripts); c.2405G>A, p.Ser802Asn (NM_001407649.1, NM_001407670.1, NM_001407671.1 and 11 more transcripts); c.2453G>A, p.Ser818Asn (NM_001407653.1, NM_001407654.1, NM_001407655.1 and 4 more transcripts); c.2390G>A, p.Ser797Asn (NM_001407692.1, NM_001407694.1, NM_001407730.1 and 29 more transcripts); c.2387G>A, p.Ser796Asn (NM_001407749.1, NM_001407838.1, NM_001407839.1 and 20 more transcripts); and 41 more; short protein forms S844N, S797N, S777N, S803N, S817N, S548N, S676N, S776N.
Identifiers: ClinVar variation 630127 (VCV000630127.25), dbSNP rs56051266, ClinGen allele CA10596937.

ClinVar aggregate classification (germline): Conflicting classifications of pathogenicity. Review status: criteria provided, conflicting classifications (1 of 4 stars). 7 submissions from 7 submitters: Uncertain significance (6); Likely benign (1). Last evaluated 2025-06-27.

Conditions:
Hereditary breast ovarian cancer syndrome. Also called: Hereditary breast and ovarian cancer syndrome (HBOC); Hereditary breast and ovarian cancer; BRCA1- and BRCA2-Associated Hereditary Breast and Ovarian Cancer; Breast and ovarian cancer; Hereditary breast and ovarian cancer syndrome; Hereditary breast and/or ovarian cancer syndrome. Identifiers: Orphanet 145, MedGen C0677776, MeSH D061325, MONDO:0003582. Disease mechanism: loss of function.
Breast-ovarian cancer, familial, susceptibility to, 1 (BROVCA1). Also called: OVARIAN CANCER, SUSCEPTIBILITY TO; BRCA1 Hereditary Breast and Ovarian Cancer. Identifiers: Orphanet 145, MedGen C2676676, MONDO:0011450, OMIM 604370. Disease mechanism: loss of function.
Hereditary cancer-predisposing syndrome. Also called: Hereditary neoplastic syndrome; Tumor predisposition; Hereditary Cancer Syndrome; Neoplastic Syndromes, Hereditary. Identifiers: Orphanet 140162, MedGen C0027672, MeSH D009386, MONDO:0015356.

Submissions (7):

Dasa
Classification: Uncertain significance for Breast-ovarian cancer, familial, susceptibility to, 1. Last evaluated: 2025-06-27. Review status: criteria provided, single submitter. Criteria: DASA Assertion Criteria. Collection method: clinical testing. Allele origin: germline.
Comment: NM_007294.4(BRCA1):c.2531G>A (p.Ser844Asn) is a missense variant that results in the substitution of serine with asparagine. This variant is absent from population databases. The currently available literature and clinical evidence are not sufficient to establish a definitive association between this variant and the reported condition. Therefore, this variant is classified as a variant of uncertain significance.

Ambry Genetics
Classification: Uncertain significance for Hereditary cancer-predisposing syndrome. Last evaluated: 2025-02-26. Review status: criteria provided, single submitter. Criteria: Ambry Variant Classification Scheme 2023. Collection method: clinical testing. Allele origin: germline.
Comment: The p.S844N variant (also known as c.2531G>A), located in coding exon 9 of the BRCA1 gene, results from a G to A substitution at nucleotide position 2531. The serine at codon 844 is replaced by asparagine, an amino acid with highly similar properties. This amino acid position is not well conserved in available vertebrate species. In addition, this alteration is predicted to be tolerated by in silico analysis. Based on the available evidence, the clinical significance of this variant remains unclear.

Labcorp Genetics (formerly Invitae), Labcorp
Classification: Uncertain significance for Hereditary breast ovarian cancer syndrome. Last evaluated: 2024-12-26. Review status: criteria provided, single submitter. Criteria: Invitae Variant Classification Sherloc (09022015). Collection method: clinical testing. Allele origin: germline.
Comment: This sequence change replaces serine, which is neutral and polar, with asparagine, which is neutral and polar, at codon 844 of the BRCA1 protein (p.Ser844Asn). This variant is not present in population databases (gnomAD no frequency). This variant has not been reported in the literature in individuals affected with BRCA1-related conditions. ClinVar contains an entry for this variant (Variation ID: 630127). Invitae Evidence Modeling of protein sequence and biophysical properties (such as structural, functional, and spatial information, amino acid conservation, physicochemical variation, residue mobility, and thermodynamic stability) indicates that this missense variant is not expected to disrupt BRCA1 protein function with a negative predictive value of 80%. In summary, the available evidence is currently insufficient to determine the role of this variant in disease. Therefore, it has been classified as a Variant of Uncertain Significance.

Quest Diagnostics Nichols Institute San Juan Capistrano
Classification: Uncertain significance. Last evaluated: 2023-06-26. Review status: criteria provided, single submitter. Criteria: Quest Diagnostics criteria. Collection method: clinical testing. Allele origin: unknown.
Comment: In the published literature, this variant has been reported to be located in a region of the BRCA1 gene that is tolerant to missense changes (PMID: 31911673 (2020)). In a large-scale breast cancer association study, the variant was observed in individuals with breast cancer as well as in an unaffected individual (PMID: 33471991 (2021)). This variant has not been reported in large, multi-ethnic general populations (Genome Aggregation Database). Analysis of this variant using bioinformatics tools for the prediction of the effect of amino acid changes on protein structure and function yielded predictions that this variant is benign. Based on the available information, we are unable to determine the clinical significance of this variant.

All of Us Research Program, National Institutes of Health
Classification: Uncertain significance for Breast-ovarian cancer, familial, susceptibility to, 1. Last evaluated: 2023-04-27. Review status: criteria provided, single submitter. Criteria: ACMG Guidelines, 2015. Collection method: clinical testing. Allele origin: germline. Inheritance: Autosomal dominant inheritance. Observed: 1 variant allele, 1 heterozygote.
Comment: This study involves interpretation of variants in research participants for the purpose of population health screening. Participant phenotype was not available at the time of variant classification. Additional details can be found in publication PMID: 35346344, PMCID: PMC8962531

University of Washington Department of Laboratory Medicine, University of Washington
Classification: Likely benign for Hereditary cancer-predisposing syndrome. Last evaluated: 2023-03-23. Review status: criteria provided, single submitter. Criteria: Dines et al. (Genet Med. 2020). Collection method: curation. Allele origin: germline.
Comment: Missense variant in a coldspot region where missense variants are very unlikely to be pathogenic (PMID:31911673).

BRCA1 coldspot (exon 11 using historical exon numbering). Reclassification based on statistical prior probability

Color Diagnostics, LLC DBA Color Health
Classification: Uncertain significance for Hereditary cancer-predisposing syndrome. Last evaluated: 2019-01-11. Review status: criteria provided, single submitter. Criteria: ACMG Guidelines, 2015. Collection method: clinical testing. Allele origin: germline.

Literature cited by the submitters: PubMed 33471991 (cited by Quest Diagnostics Nichols Institute San Juan Capistrano); PubMed 31911673 (cited by Quest Diagnostics Nichols Institute San Juan Capistrano).